The following is an entry in ClinVar:

NM_006946.4(SPTBN2):c.6735C>T (p.Asn2245=)

Gene: SPTBN2 (spectrin beta, non-erythrocytic 2; minus strand). Cytogenetic location: 11q13.2.
Variant type: single nucleotide variant.
Coding change: c.6735C>T on transcript NM_006946.4 (MANE Select); coding-DNA position 6735, C replaced by T.
Protein change: p.Asn2245=; no amino-acid change (asparagine 2245 retained).
Molecular consequence: synonymous variant.
Genome position (GRCh38, 1-based): chr11:66,687,155, G>A on the plus strand (C>T on the coding strand, the complement: SPTBN2 is on the minus strand). VCF-style: chr11-66687155-G-A. GRCh37 (hg19) VCF-style: chr11-66454626-G-A.
Identifiers: ClinVar variation 305529 (VCV000305529.11), dbSNP rs750664912, ClinGen allele CA6127800.
Genomic context (GRCh38, chr11:66,687,155, plus strand): 5'-GCTGGCTGCCTTGGCATCCTTGTAAAAGCCGAGGCTCCCACGCCGCAGGACACAGTACAC[G>A]TTCTGCCAGGACCTGCGAGGGACGCGGTGCTGACTGGCCGGCCTCAGTGGCGCCCGCAAC-3'
Protein context (NP_008877.2, residues 2235-2255): GKKAANRSWQ[Asn2245=]VYCVLRRGSL

ClinVar aggregate classification (germline): Benign/Likely benign. Review status: criteria provided, multiple submitters, no conflicts (2 of 4 stars). 4 submissions from 4 submitters: Benign (2); Likely benign (1). 1 of the submissions does not count toward it. Last evaluated 2024-11-11.

Conditions:
SPTBN2-related disorder. Also called: SPTBN2-related condition.

Allele frequency attached by ClinVar (database versions not stated): gnomAD below 0.00001 and 0.00004; gnomAD exomes 0.00014 and 0.00024; ExAC 0.00025.
gnomAD v4.1: 216 of 1,613,854 alleles (0.013%); highest among the groups gnomAD compares: South Asian, 0.22%; 2 homozygotes.

Submissions (4):

Labcorp Genetics (formerly Invitae), Labcorp
Classification: Benign. Last evaluated: 2024-11-11. Review status: criteria provided, single submitter. Criteria: Invitae Variant Classification Sherloc (09022015). Collection method: clinical testing. Allele origin: germline.

Blueprint Genetics
Classification: Likely benign. Last evaluated: 2024-11-06. Review status: criteria provided, single submitter. Criteria: ACMG Guidelines, 2015. Collection method: clinical testing. Allele origin: germline.

Athena Diagnostics
Classification: Benign. Last evaluated: 2020-01-17. Review status: criteria provided, single submitter. Criteria: Athena Diagnostics Criteria. Collection method: clinical testing. Allele origin: unknown.

PreventionGenetics, part of Exact Sciences
Classification: Likely benign for SPTBN2-related condition. Last evaluated: 2019-06-28. Review status: no assertion criteria provided. Collection method: clinical testing. Allele origin: germline. Not counted in ClinVar's aggregate classification.
Comment: This variant is classified as likely benign based on ACMG/AMP sequence variant interpretation guidelines (Richards et al. 2015 PMID: 25741868, with internal and published modifications).